The following is an entry in ClinVar:

ClinVar aggregate classification (germline): Pathogenic (1 of 4 stars; one submission).

Conditions:
Hereditary breast ovarian cancer syndrome. Also called: Breast and ovarian cancer; BRCA1- and BRCA2-Associated Hereditary Breast and Ovarian Cancer; Hereditary breast and ovarian cancer syndrome; Hereditary breast and/or ovarian cancer syndrome; Hereditary breast and ovarian cancer; Hereditary breast and ovarian cancer syndrome (HBOC). Identifiers: Orphanet 145, MedGen C0677776, MeSH D061325, MONDO:0003582. Disease mechanism: loss of function.

Submission:

Labcorp Genetics (formerly Invitae), Labcorp
Classification: Pathogenic for Hereditary breast ovarian cancer syndrome. Last evaluated: 2020-03-08. Review status: criteria provided, single submitter. Criteria: Invitae Variant Classification Sherloc (09022015). Collection method: clinical testing. Allele origin: germline.
Comment: For these reasons, this variant has been classified as Pathogenic. Loss-of-function variants in BRCA2 are known to be pathogenic (PMID: 20104584). This variant has not been reported in the literature in individuals with BRCA2-related conditions. This variant is not present in population databases (ExAC no frequency). This sequence change creates a premature translational stop signal (p.Met287Cysfs*5) in the BRCA2 gene. It is expected to result in an absent or disrupted protein product.

Literature cited by the submitters: PubMed 20104584.

NM_000059.4(BRCA2):c.859del (p.Met287fs)

Gene: BRCA2 (BRCA2 DNA repair associated; plus strand). Cytogenetic location: 13q13.1.
Variant type: Deletion.
Coding change: c.859del on transcript NM_000059.4 (MANE Select); coding-DNA position 859, one base deleted (A; older notation c.859delA).
Protein change: p.Met287fs; shifts the reading frame from methionine 287.
Molecular consequence: frameshift variant.
Genome position (GRCh38, 1-based): chr13:32,332,337, A deleted; the last of 2 consecutive A bases (chr13:32,332,336-32,332,337); deleting either gives the same sequence. VCF-style (leftmost placement, unchanged base first): chr13-32332335-CA-C. GRCh37 (hg19) VCF-style: chr13-32906472-CA-C.
Other names: short protein forms M287fs.
Identifiers: ClinVar variation 1069421 (VCV001069421.7), dbSNP rs2137465341, ClinGen allele CA2499222064.
Genomic context (GRCh38, chr13:32,332,335, plus strand): 5'-TTGGAAAAACATCAGGGAATTCATTTAAAGTAAATAGCTGCAAAGACCACATTGGAAAGT[CA>C]ATGCCAAATGTCCTAGAAGATGAAGTATATGAAACAGTTGTAGATACCTCTGAAGAAGAT-3'